The following is an entry in ClinVar:

NM_001099274.3(TINF2):c.728G>A (p.Gly243Glu)

Gene: TINF2 (TERF1 interacting nuclear factor 2; minus strand). Cytogenetic location: 14q12.
Variant type: single nucleotide variant.
Coding change: c.728G>A on transcript NM_001099274.3 (MANE Select); coding-DNA position 728, G replaced by A.
Protein change: p.Gly243Glu; replaces glycine 243 with glutamic acid.
Molecular consequence: missense variant.
Genome position (GRCh38, 1-based): chr14:24,240,752, C>T on the plus strand (G>A on the coding strand, the complement: TINF2 is on the minus strand). VCF-style: chr14-24240752-C-T. GRCh37 (hg19) VCF-style: chr14-24709958-C-T.
Other names: c.623G>A, p.Gly208Glu (NM_001363668.2); c.728G>A, p.Gly243Glu (NM_012461.3); short protein forms G208E, G243E.
Identifiers: ClinVar variation 3658937 (VCV003658937.12).

ClinVar aggregate classification (germline): Uncertain significance. Review status: criteria provided, multiple submitters, no conflicts (2 of 4 stars). 2 submissions from 2 submitters: Uncertain significance (2). Last evaluated 2025-08-03.

Conditions:
Dyskeratosis congenita. Identifiers: Orphanet 1775, MedGen C0265965, MONDO:0015780.

gnomAD v4.1: 2 of 1,613,440 alleles (0.00012%); highest among the groups gnomAD compares: Non-Finnish European, 0.00017%; no homozygotes.

Submissions (2):

Labcorp Genetics (formerly Invitae), Labcorp
Classification: Uncertain significance for Dyskeratosis congenita. Last evaluated: 2025-08-03. Review status: criteria provided, single submitter. Criteria: Invitae Variant Classification Sherloc (09022015). Collection method: clinical testing. Allele origin: germline.
Comment: This sequence change replaces glycine, which is neutral and non-polar, with glutamic acid, which is acidic and polar, at codon 243 of the TINF2 protein (p.Gly243Glu). This variant is present in population databases (no rsID available, gnomAD 0.0009%). This variant has not been reported in the literature in individuals affected with TINF2-related conditions. ClinVar contains an entry for this variant (Variation ID: 3658937). An algorithm developed to predict the effect of missense changes on protein structure and function outputs the following: PolyPhen-2: "Benign". The glutamic acid amino acid residue is found in multiple mammalian species, which suggests that this missense change does not adversely affect protein function. In summary, the available evidence is currently insufficient to determine the role of this variant in disease. Therefore, it has been classified as a Variant of Uncertain Significance.

CeGaT Center for Human Genetics Tuebingen
Classification: Uncertain significance. Last evaluated: 2025-05-01. Review status: criteria provided, single submitter. Criteria: CeGaT Center For Human Genetics Tuebingen Variant Classification Criteria Version 2. Collection method: clinical testing. Allele origin: germline. Affected: yes. Observed: 1 variant allele.
Comment: TINF2: PM2, BP4